The following is an entry in ClinVar:

NM_003072.5(SMARCA4):c.790G>C (p.Gly264Arg)

Gene: SMARCA4 (SWI/SNF related BAF chromatin remodeling complex subunit ATPase 4; plus strand). Cytogenetic location: 19p13.2.
Variant type: single nucleotide variant.
Coding change: c.790G>C on transcript NM_003072.5 (MANE Select); coding-DNA position 790, G replaced by C.
Protein change: p.Gly264Arg; replaces glycine 264 with arginine.
Molecular consequence: missense variant. On other transcripts: non-coding transcript variant (1).
Genome position (GRCh38, 1-based): chr19:10,986,934, G>C. VCF-style: chr19-10986934-G-C. GRCh37 (hg19) VCF-style: chr19-11097610-G-C.
Other names: c.790G>C, p.Gly264Arg (NM_001128849.3, NM_001374457.1, NM_001387283.1 and 5 more transcripts); short protein forms G264R.
Identifiers: ClinVar variation 408695 (VCV000408695.16), dbSNP rs746036083, ClinGen allele CA9203580.

ClinVar aggregate classification (germline): Conflicting classifications of pathogenicity. Review status: criteria provided, conflicting classifications (1 of 4 stars). 4 submissions from 4 submitters: Uncertain significance (3); Likely benign (1). Last evaluated 2025-07-08.

Conditions:
Hereditary cancer-predisposing syndrome. Also called: Hereditary Cancer Syndrome; Hereditary neoplastic syndrome; Neoplastic Syndromes, Hereditary; Tumor predisposition. Identifiers: Orphanet 140162, MedGen C0027672, MeSH D009386, MONDO:0015356.
Intellectual disability, autosomal dominant 16 (CSS4). Also called: COFFIN-SIRIS SYNDROME 4. Identifiers: Orphanet 1465, MedGen C3553249, MONDO:0013821, OMIM 614609.
Rhabdoid tumor predisposition syndrome 2 (RTPS2). Identifiers: Orphanet 231108, Orphanet 69077, MedGen C2750074, MONDO:0013224, OMIM 613325.

Allele frequency attached by ClinVar (database versions not stated): gnomAD exomes 0.00001; ExAC 0.00002; gnomAD 0.00002; TOPMed 0.00003.
gnomAD v4.1: 7 of 1,612,338 alleles (0.00043%); highest among the groups gnomAD compares: African/African-American, 0.0067%; no homozygotes.

Submissions (4):

Labcorp Genetics (formerly Invitae), Labcorp
Classification: Uncertain significance for Rhabdoid tumor predisposition syndrome 2. Last evaluated: 2025-07-08. Review status: criteria provided, single submitter. Criteria: Invitae Variant Classification Sherloc (09022015). Collection method: clinical testing. Allele origin: germline.
Comment: This sequence change replaces glycine, which is neutral and non-polar, with arginine, which is basic and polar, at codon 264 of the SMARCA4 protein (p.Gly264Arg). This variant is present in population databases (rs746036083, gnomAD 0.01%). This variant has not been reported in the literature in individuals affected with SMARCA4-related conditions. ClinVar contains an entry for this variant (Variation ID: 408695). An algorithm developed to predict the effect of missense changes on protein structure and function (PolyPhen-2) suggests that this variant is likely to be disruptive. In summary, the available evidence is currently insufficient to determine the role of this variant in disease. Therefore, it has been classified as a Variant of Uncertain Significance.

GeneDx
Classification: Uncertain significance. Last evaluated: 2025-05-13. Review status: criteria provided, single submitter. Criteria: GeneDx Variant Classification Process June 2021. Collection method: clinical testing. Allele origin: germline. Affected: yes.
Comment: In silico analysis suggests that this missense variant does not alter protein structure/function; Has not been previously published as pathogenic or benign to our knowledge

Ambry Genetics
Classification: Likely benign for Hereditary cancer-predisposing syndrome. Last evaluated: 2024-02-02. Review status: criteria provided, single submitter. Criteria: Ambry Variant Classification Scheme 2023. Collection method: clinical testing. Allele origin: germline.

Genome-Nilou Lab
Classification: Uncertain significance for Intellectual disability, autosomal dominant 16. Last evaluated: 2021-07-15. Review status: criteria provided, single submitter. Criteria: ACMG Guidelines, 2015. Collection method: clinical testing. Allele origin: germline. Affected: no.